The following is an entry in ClinVar:

ClinVar aggregate classification (germline): Uncertain significance (1 of 4 stars; one submission).

Conditions:
Familial cold autoinflammatory syndrome 2 (FCAS2). Identifiers: Orphanet 247868, MedGen C2673198, MONDO:0012724, OMIM 611762.

gnomAD v4.1: 6 of 1,614,078 alleles (0.00037%); highest among the groups gnomAD compares: South Asian, 0.0055%; no homozygotes.

Submission:

Labcorp Genetics (formerly Invitae), Labcorp
Classification: Uncertain significance for Familial cold autoinflammatory syndrome 2. Last evaluated: 2023-02-09. Review status: criteria provided, single submitter. Criteria: Invitae Variant Classification Sherloc (09022015). Collection method: clinical testing. Allele origin: germline.
Comment: In summary, the available evidence is currently insufficient to determine the role of this variant in disease. Therefore, it has been classified as a Variant of Uncertain Significance. This sequence change replaces asparagine, which is neutral and polar, with histidine, which is basic and polar, at codon 144 of the NLRP12 protein (p.Asn144His). This variant is present in population databases (rs771441641, gnomAD 0.006%). Advanced modeling of protein sequence and biophysical properties (such as structural, functional, and spatial information, amino acid conservation, physicochemical variation, residue mobility, and thermodynamic stability) performed at Invitae indicates that this missense variant is expected to disrupt NLRP12 protein function. This variant has not been reported in the literature in individuals affected with NLRP12-related conditions.

NM_144687.4(NLRP12):c.430A>C (p.Asn144His)

Gene: NLRP12 (NLR family pyrin domain containing 12; minus strand). Cytogenetic location: 19q13.42.
Variant type: single nucleotide variant.
Coding change: c.430A>C on transcript NM_144687.4 (MANE Select); coding-DNA position 430, A replaced by C.
Protein change: p.Asn144His; replaces asparagine 144 with histidine.
Molecular consequence: missense variant.
Genome position (GRCh38, 1-based): chr19:53,811,229, T>G on the plus strand (A>C on the coding strand, the complement: NLRP12 is on the minus strand). VCF-style: chr19-53811229-T-G. GRCh37 (hg19) VCF-style: chr19-54314483-T-G.
Other names: c.430A>C, p.Asn144His (NM_001277126.2, NM_001277129.1); short protein forms N144H.
Identifiers: ClinVar variation 2202051 (VCV002202051.4), dbSNP rs771441641, ClinGen allele CA9639710.